The following is an entry in ClinVar:

ClinVar aggregate classification (germline): Uncertain significance. Review status: criteria provided, multiple submitters, no conflicts (2 of 4 stars). 2 submissions from 2 submitters: Uncertain significance (2). Last evaluated 2025-08-22.

Conditions:
Long QT syndrome (LQTS). Identifiers: MedGen C0023976, MeSH D008133, MONDO:0002442. Disease mechanism: loss of function. Inheritance: Various modes of inheritance.

Allele frequency attached by ClinVar (database versions not stated): gnomAD exomes below 0.00001; TOPMed below 0.00001.
gnomAD v4.1: 1 of 1,614,096 alleles (0.000062%); highest among the groups gnomAD compares: Non-Finnish European, 0.000085%; no homozygotes.

Submissions (2):

Labcorp Genetics (formerly Invitae), Labcorp
Classification: Uncertain significance for Long QT syndrome. Last evaluated: 2025-08-22. Review status: criteria provided, single submitter. Criteria: Invitae Variant Classification Sherloc (09022015). Collection method: clinical testing. Allele origin: germline.
Comment: This sequence change replaces glycine, which is neutral and non-polar, with serine, which is neutral and polar, at codon 81 of the CAV3 protein (p.Gly81Ser). This variant is not present in population databases (gnomAD no frequency). This variant has not been reported in the literature in individuals affected with CAV3-related conditions. ClinVar contains an entry for this variant (Variation ID: 995330). An algorithm developed to predict the effect of missense changes on protein structure and function (PolyPhen-2) suggests that this variant is likely to be disruptive. In summary, the available evidence is currently insufficient to determine the role of this variant in disease. Therefore, it has been classified as a Variant of Uncertain Significance.

Athena Diagnostics
Classification: Uncertain significance. Last evaluated: 2020-08-21. Review status: criteria provided, single submitter. Criteria: Athena Diagnostics Criteria. Collection method: clinical testing. Allele origin: unknown.

NM_033337.3(CAV3):c.241G>A (p.Gly81Ser)

Genes: CAV3 (caveolin 3; plus strand), OXTR (oxytocin receptor; minus strand). Cytogenetic location: 3p25.3.
Variant type: single nucleotide variant.
Coding change: c.241G>A on transcript NM_033337.3 (MANE Select); coding-DNA position 241, G replaced by A.
Protein change: p.Gly81Ser; replaces glycine 81 with serine.
Molecular consequence: missense variant.
Genome position (GRCh38, 1-based): chr3:8,745,652, G>A. VCF-style: chr3-8745652-G-A. GRCh37 (hg19) VCF-style: chr3-8787338-G-A.
Other names: c.241G>A, p.Gly81Ser (NM_001234.5); short protein forms G81S.
Identifiers: ClinVar variation 995330 (VCV000995330.2), dbSNP rs1708134992, ClinGen allele CA351663358.